The following is an entry in ClinVar:

NC_000012.12:g.21766555A>G

Genes: KCNJ8-AS1 (KCNJ8 antisense RNA 1; plus strand), KCNJ8 (potassium inwardly rectifying channel subfamily J member 8; minus strand). Cytogenetic location: 12p12.1.
Variant type: single nucleotide variant.
Genome position: GRCh38 VCF-style: chr12-21766555-A-G. GRCh37 (hg19) VCF-style: chr12-21919489-A-G.
Identifiers: ClinVar variation 2107025 (VCV002107025.4), dbSNP rs2540721157, ClinGen allele CA384127702.

ClinVar aggregate classification (germline): Uncertain significance (1 of 4 stars; one submission).

Conditions:
Brugada syndrome. Also called: Sudden Unexplained Death Syndrome; Sudden Unexplained Nocturnal Death Syndrome (SUNDS); Sudden unexplained nocturnal death syndrome; Sudden unexpected nocturnal death syndrome. Identifiers: Orphanet 130, MedGen C1142166, MONDO:0015263.

Submission:

Labcorp Genetics (formerly Invitae), Labcorp
Classification: Uncertain significance for Brugada syndrome. Last evaluated: 2022-03-05. Review status: criteria provided, single submitter. Criteria: Invitae Variant Classification Sherloc (09022015). Collection method: clinical testing. Allele origin: germline.
Comment: This sequence change replaces methionine, which is neutral and non-polar, with threonine, which is neutral and polar, at codon 148 of the KCNJ8 protein (p.Met148Thr). This variant is not present in population databases (gnomAD no frequency). This variant has not been reported in the literature in individuals affected with KCNJ8-related conditions. Advanced modeling of protein sequence and biophysical properties (such as structural, functional, and spatial information, amino acid conservation, physicochemical variation, residue mobility, and thermodynamic stability) performed at Invitae indicates that this missense variant is not expected to disrupt KCNJ8 protein function. In summary, the available evidence is currently insufficient to determine the role of this variant in disease. Therefore, it has been classified as a Variant of Uncertain Significance.